The following is an entry in ClinVar:

ClinVar aggregate classification (germline): Likely benign. Review status: criteria provided, multiple submitters, no conflicts (2 of 4 stars). 3 submissions from 3 submitters: Likely benign (3). Last evaluated 2026-04-28.

Conditions:
Inborn genetic diseases. Identifiers: MedGen C0950123, MeSH D030342.

gnomAD v4.1: 1 of 1,613,706 alleles (0.000062%); highest among the groups gnomAD compares: African/African-American, 0.0013%; no homozygotes.

Submissions (3):

Ambry Genetics
Classification: Likely benign for Inborn genetic diseases. Last evaluated: 2026-04-28. Review status: criteria provided, single submitter. Criteria: Ambry Variant Classification Scheme 2023. Collection method: clinical testing. Allele origin: germline.

Labcorp Genetics (formerly Invitae), Labcorp
Classification: Likely benign. Last evaluated: 2025-10-19. Review status: criteria provided, single submitter. Criteria: Invitae Variant Classification Sherloc (09022015). Collection method: clinical testing. Allele origin: germline.

Women's Health and Genetics/Laboratory Corporation of America, LabCorp
Classification: Likely benign. Last evaluated: 2024-10-10. Review status: criteria provided, single submitter. Criteria: LabCorp Variant Classification Summary - May 2015. Collection method: clinical testing. Allele origin: germline.
Comment: Variant summary: SAMD9 c.1095T>C alters a non-conserved nucleotide resulting in a synonymous change. Consensus agreement among computation tools predict no significant impact on normal splicing. However, these predictions have yet to be confirmed by functional studies. The variant was absent in 250836 control chromosomes. The available data on variant occurrences in the general population are insufficient to allow any conclusion about variant significance. To our knowledge, no occurrence of c.1095T>C in individuals affected with MIRAGE Syndrome and no experimental evidence demonstrating its impact on protein function have been reported. No submitters have cited clinical-significance assessments for this variant to ClinVar. Based on the evidence outlined above, the variant was classified as likely benign.

NM_017654.4(SAMD9):c.1095T>C (p.Asp365=)

Gene: SAMD9 (sterile alpha motif domain containing 9; minus strand). Cytogenetic location: 7q21.2.
Variant type: single nucleotide variant.
Coding change: c.1095T>C on transcript NM_017654.4 (MANE Select); coding-DNA position 1095, T replaced by C.
Protein change: p.Asp365=; no amino-acid change (aspartic acid 365 retained).
Molecular consequence: synonymous variant.
Genome position (GRCh38, 1-based): chr7:93,105,003, A>G on the plus strand (T>C on the coding strand, the complement: SAMD9 is on the minus strand). VCF-style: chr7-93105003-A-G. GRCh37 (hg19) VCF-style: chr7-92734316-A-G.
Other names: c.1095T>C, p.Asp365= (NM_001193307.2); c.1095T>C (NM_017654.3).
Identifiers: ClinVar variation 3384780 (VCV003384780.3).